The following is an entry in ClinVar:

NM_002838.5(PTPRC):c.1805A>G (p.Tyr602Cys)

Gene: PTPRC (protein tyrosine phosphatase receptor type C; plus strand). Cytogenetic location: 1q32.1.
Variant type: single nucleotide variant.
Coding change: c.1805A>G on transcript NM_002838.5 (MANE Select); coding-DNA position 1805, A replaced by G.
Protein change: p.Tyr602Cys; replaces tyrosine 602 with cysteine.
Molecular consequence: missense variant.
Genome position (GRCh38, 1-based): chr1:198,728,424, A>G. VCF-style: chr1-198728424-A-G. GRCh37 (hg19) VCF-style: chr1-198697553-A-G.
Other names: c.1322A>G, p.Tyr441Cys (NM_080921.4); short protein forms Y441C, Y602C.
Identifiers: ClinVar variation 943208 (VCV000943208.7), dbSNP rs370560920, ClinGen allele CA1314897.

ClinVar aggregate classification (germline): Uncertain significance (1 of 4 stars; one submission).

Conditions:
Immunodeficiency 104. Also called: IMMUNODEFICIENCY 104, SEVERE COMBINED; SCID, AUTOSOMAL RECESSIVE, T CELL-NEGATIVE, B CELL-POSITIVE, NK CELL-POSITIVE; Severe combined immunodeficiency, autosomal recessive, T cell-negative, B cell-positive, NK cell-positive; Severe Combined Immune Deficiency, Autosomal Recessive, TCell -Negative, B Cell-Positive, NK Cell-Positive, IL7R-Related. Identifiers: MedGen C5676890, MONDO:0012163, OMIM 608971.

Allele frequency attached by ClinVar (database versions not stated): gnomAD 0.00001; gnomAD exomes 0.00001 and 0.00002; TOPMed 0.00001; ExAC 0.00002; ESP Exome Variant Server 0.00008.
gnomAD v4.1: 9 of 1,612,642 alleles (0.00056%); highest among the groups gnomAD compares: South Asian, 0.0055%; no homozygotes.

Submission:

Labcorp Genetics (formerly Invitae), Labcorp
Classification: Uncertain significance for Immunodeficiency 104. Last evaluated: 2021-08-27. Review status: criteria provided, single submitter. Criteria: Invitae Variant Classification Sherloc (09022015). Collection method: clinical testing. Allele origin: germline.
Comment: This sequence change replaces tyrosine with cysteine at codon 602 of the PTPRC protein (p.Tyr602Cys). The tyrosine residue is highly conserved and there is a large physicochemical difference between tyrosine and cysteine. This variant is present in population databases (rs370560920, ExAC 0.01%). This variant has not been reported in the literature in individuals affected with PTPRC-related conditions. Algorithms developed to predict the effect of missense changes on protein structure and function (SIFT, PolyPhen-2, Align-GVGD) all suggest that this variant is likely to be disruptive. In summary, the available evidence is currently insufficient to determine the role of this variant in disease. Therefore, it has been classified as a Variant of Uncertain Significance.